The following is an entry in ClinVar:

NM_020987.5(ANK3):c.4723C>T (p.Arg1575Trp)

Gene: ANK3 (ankyrin 3; minus strand). Cytogenetic location: 10q21.2.
Variant type: single nucleotide variant.
Coding change: c.4723C>T on transcript NM_020987.5 (MANE Select); coding-DNA position 4723, C replaced by T.
Protein change: p.Arg1575Trp; replaces arginine 1575 with tryptophan.
Molecular consequence: missense variant. On other transcripts: intron variant (4).
Genome position (GRCh38, 1-based): chr10:60,076,158, G>A on the plus strand (C>T on the coding strand, the complement: ANK3 is on the minus strand). VCF-style: chr10-60076158-G-A. GRCh37 (hg19) VCF-style: chr10-61835916-G-A.
Other names: c.4387+4379C>T (NM_001204403.2); c.4408+4379C>T (NM_001204404.2); c.4405+4379C>T (NM_001320874.2); c.1807+4379C>T (NM_001149.4); short protein forms R1575W.
Identifiers: ClinVar variation 587453 (VCV000587453.15), dbSNP rs565896400, ClinGen allele CA5512119.

ClinVar aggregate classification (germline): Uncertain significance. Review status: criteria provided, multiple submitters, no conflicts (2 of 4 stars). 4 submissions from 4 submitters: Uncertain significance (4). Last evaluated 2025-06-30.

Conditions:
Intellectual developmental disorder, autosomal recessive 37. Also called: Intellectual disability-hypotonia-spasticity-sleep disorder syndrome. Identifiers: Orphanet 356996, MedGen C3809672, MONDO:0014210, OMIM 615493.

Allele frequency attached by ClinVar (database versions not stated): 1000 Genomes Project 30x 0.00016; 1000 Genomes Project 0.00020; gnomAD 0.00003; TOPMed 0.00010.
gnomAD v4.1: 95 of 1,614,210 alleles (0.0059%); highest among the groups gnomAD compares: East Asian, 0.053%; no homozygotes.

Submissions (4):

Labcorp Genetics (formerly Invitae), Labcorp
Classification: Uncertain significance. Last evaluated: 2025-06-30. Review status: criteria provided, single submitter. Criteria: Invitae Variant Classification Sherloc (09022015). Collection method: clinical testing. Allele origin: germline.
Comment: This sequence change replaces arginine, which is basic and polar, with tryptophan, which is neutral and slightly polar, at codon 1575 of the ANK3 protein (p.Arg1575Trp). This variant is present in population databases (rs565896400, gnomAD 0.1%). This variant has not been reported in the literature in individuals affected with ANK3-related conditions. ClinVar contains an entry for this variant (Variation ID: 587453). Invitae Evidence Modeling of protein sequence and biophysical properties (such as structural, functional, and spatial information, amino acid conservation, physicochemical variation, residue mobility, and thermodynamic stability) has been performed for this missense variant. However, the output from this modeling did not meet the statistical confidence thresholds required to predict the impact of this variant on ANK3 protein function. In summary, the available evidence is currently insufficient to determine the role of this variant in disease. Therefore, it has been classified as a Variant of Uncertain Significance.

Dasa
Classification: Uncertain significance. Last evaluated: 2025-03-14. Review status: criteria provided, single submitter. Criteria: DASA Assertion Criteria. Collection method: clinical testing. Allele origin: germline.
Comment: NM_020987.5(ANK3):c.4723C>T (p.Arg1575Trp) is a missense variant that results in the substitution of arginine with tryptophan. This variant has been observed in affected individuals with ANK3-related disorders. Also, this variant is rare in population databases. Computational prediction algorithms are consistent with a benign effect. The currently available literature and clinical evidence are not sufficient to establish a definitive association between this variant and the reported condition. Therefore, this variant is classified as a variant of uncertain significance.

Fulgent Genetics
Classification: Uncertain significance for Intellectual developmental disorder, autosomal recessive 37. Last evaluated: 2022-05-17. Review status: criteria provided, single submitter. Criteria: ACMG Guidelines, 2015. Collection method: clinical testing. Allele origin: unknown.

Genomic Research Center, Shahid Beheshti University of Medical Sciences
Classification: Uncertain significance for Mental retardation, autosomal recessive 37. Last evaluated: 2018-08-07. Review status: criteria provided, single submitter. Criteria: ACMG Guidelines, 2015. Collection method: clinical testing. Allele origin: inherited. Affected: yes. Observed: 1 variant allele.